The following is an entry in ClinVar:

ClinVar aggregate classification (germline): Conflicting classifications of pathogenicity. Review status: criteria provided, conflicting classifications (1 of 4 stars). 4 submissions from 4 submitters: Uncertain significance (2); Likely benign (2). Last evaluated 2026-07-08.

Conditions:
Hereditary cancer-predisposing syndrome. Also called: Hereditary Cancer Syndrome; Tumor predisposition; Hereditary neoplastic syndrome; Neoplastic Syndromes, Hereditary. Identifiers: Orphanet 140162, MedGen C0027672, MeSH D009386, MONDO:0015356.
Rhabdoid tumor predisposition syndrome 2 (RTPS2). Identifiers: Orphanet 231108, Orphanet 69077, MedGen C2750074, MONDO:0013224, OMIM 613325.

Allele frequency attached by ClinVar (database versions not stated): TOPMed 0.00001.
gnomAD v4.1: 5 of 1,612,170 alleles (0.00031%); highest among the groups gnomAD compares: Non-Finnish European, 0.00042%; no homozygotes.

Submissions (4):

Myriad Genetics, Inc.
Classification: Likely benign for Rhabdoid tumor predisposition syndrome 2. Last evaluated: 2026-07-08. Review status: criteria provided, single submitter. Criteria: Myriad Autosomal Dominant, Autosomal Recessive and X-Linked Classification Criteria (2023). Collection method: clinical testing. Allele origin: unknown.
Comment: This variant is considered likely benign. This variant has been observed at a population frequency that is significantly greater than expected given the associated disease prevalence and penetrance.

Labcorp Genetics (formerly Invitae), Labcorp
Classification: Uncertain significance for Rhabdoid tumor predisposition syndrome 2. Last evaluated: 2026-01-28. Review status: criteria provided, single submitter. Criteria: Invitae Variant Classification Sherloc (09022015). Collection method: clinical testing. Allele origin: germline.
Comment: This sequence change replaces proline, which is neutral and non-polar, with arginine, which is basic and polar, at codon 1456 of the SMARCA4 protein (p.Pro1456Arg). This variant is present in population databases (rs760654888, gnomAD 0.002%). This variant has not been reported in the literature in individuals affected with SMARCA4-related conditions. ClinVar contains an entry for this variant (Variation ID: 238469). An algorithm developed to predict the effect of missense changes on protein structure and function (PolyPhen-2) suggests that this variant is likely to be tolerated. In summary, the available evidence is currently insufficient to determine the role of this variant in disease. Therefore, it has been classified as a Variant of Uncertain Significance.

GeneDx
Classification: Uncertain significance. Last evaluated: 2024-08-02. Review status: criteria provided, single submitter. Criteria: GeneDx Variant Classification Process June 2021. Collection method: clinical testing. Allele origin: germline. Affected: yes.
Comment: In silico analysis indicates that this missense variant does not alter protein structure/function; Has not been previously published as pathogenic or benign to our knowledge

Ambry Genetics
Classification: Likely benign for Hereditary cancer-predisposing syndrome. Last evaluated: 2024-06-04. Review status: criteria provided, single submitter. Criteria: Ambry Variant Classification Scheme 2023. Collection method: clinical testing. Allele origin: germline.

NM_003072.5(SMARCA4):c.4271C>G (p.Pro1424Arg)

Gene: SMARCA4 (SWI/SNF related BAF chromatin remodeling complex subunit ATPase 4; plus strand). Cytogenetic location: 19p13.2.
Variant type: single nucleotide variant.
Coding change: c.4271C>G on transcript NM_003072.5 (MANE Select); coding-DNA position 4271, C replaced by G.
Protein change: p.Pro1424Arg; replaces proline 1424 with arginine.
Molecular consequence: missense variant. On other transcripts: non-coding transcript variant (1).
Genome position (GRCh38, 1-based): chr19:11,041,407, C>G. VCF-style: chr19-11041407-C-G. GRCh37 (hg19) VCF-style: chr19-11152083-C-G.
Other names: c.4271C>G, p.Pro1424Arg (NM_001128844.3); c.4181C>G, p.Pro1394Arg (NM_001128845.2, NM_001128846.2); c.4172C>G, p.Pro1391Arg (NM_001128847.4, NM_001128848.2, NM_001374457.1); c.4367C>G, p.Pro1456Arg (NM_001128849.3, NM_001387283.1); short protein forms P1456R, P1394R, P1424R, P1391R.
Identifiers: ClinVar variation 238469 (VCV000238469.14), dbSNP rs760654888, ClinGen allele CA9204689.